The following is an entry in ClinVar:

ClinVar aggregate classification (germline): Uncertain significance. Review status: criteria provided, multiple submitters, no conflicts (2 of 4 stars). 2 submissions from 2 submitters: Uncertain significance (2). Last evaluated 2026-01-13.

Conditions:
DICER1-related tumor predisposition. Also called: DICER1-related pleuropulmonary blastoma cancer predisposition syndrome; DICER1 syndrome. Identifiers: Orphanet 284343, MedGen C3839822, MONDO:0100216.
Hereditary cancer-predisposing syndrome. Also called: Tumor predisposition; Neoplastic Syndromes, Hereditary; Hereditary Cancer Syndrome; Hereditary neoplastic syndrome. Identifiers: Orphanet 140162, MedGen C0027672, MeSH D009386, MONDO:0015356.

gnomAD v4.1: 14 of 1,614,096 alleles (0.00087%); highest among the groups gnomAD compares: Non-Finnish European, 0.0011%; no homozygotes.

Submissions (2):

Labcorp Genetics (formerly Invitae), Labcorp
Classification: Uncertain significance for DICER1-related tumor predisposition. Last evaluated: 2026-01-13. Review status: criteria provided, single submitter. Criteria: Invitae Variant Classification Sherloc (09022015). Collection method: clinical testing. Allele origin: germline.
Comment: This sequence change replaces asparagine, which is neutral and polar, with lysine, which is basic and polar, at codon 1227 of the DICER1 protein (p.Asn1227Lys). This variant is present in population databases (rs750457254, gnomAD 0.004%). This variant has not been reported in the literature in individuals affected with DICER1-related conditions. ClinVar contains an entry for this variant (Variation ID: 477156). Invitae Evidence Modeling of protein sequence and biophysical properties (such as structural, functional, and spatial information, amino acid conservation, physicochemical variation, residue mobility, and thermodynamic stability) indicates that this missense variant is not expected to disrupt DICER1 protein function with a negative predictive value of 95%. In summary, the available evidence is currently insufficient to determine the role of this variant in disease. Therefore, it has been classified as a Variant of Uncertain Significance.

Ambry Genetics
Classification: Uncertain significance for Hereditary cancer-predisposing syndrome. Last evaluated: 2024-11-25. Review status: criteria provided, single submitter. Criteria: Ambry Variant Classification Scheme 2023. Collection method: clinical testing. Allele origin: germline.
Comment: The p.N1227K variant (also known as c.3681C>A), located in coding exon 20 of the DICER1 gene, results from a C to A substitution at nucleotide position 3681. The asparagine at codon 1227 is replaced by lysine, an amino acid with similar properties. This amino acid position is highly conserved in available vertebrate species. In addition, the in silico prediction for this alteration is inconclusive. Since supporting evidence is limited at this time, the clinical significance of this alteration remains unclear.

NM_177438.3(DICER1):c.3681C>A (p.Asn1227Lys)

Gene: DICER1 (dicer 1, ribonuclease III; minus strand). Cytogenetic location: 14q32.13.
Variant type: single nucleotide variant.
Coding change: c.3681C>A on transcript NM_177438.3 (MANE Select); coding-DNA position 3681, C replaced by A.
Protein change: p.Asn1227Lys; replaces asparagine 1227 with lysine.
Molecular consequence: missense variant.
Genome position (GRCh38, 1-based): chr14:95,103,715, G>T on the plus strand (C>A on the coding strand, the complement: DICER1 is on the minus strand). VCF-style: chr14-95103715-G-T. GRCh37 (hg19) VCF-style: chr14-95570052-G-T.
Other names: c.3681C>A, p.Asn1227Lys (NM_001195573.1, NM_001271282.3, NM_001291628.2 and 1 more transcripts); short protein forms N1227K.
Identifiers: ClinVar variation 477156 (VCV000477156.16), dbSNP rs750457254, ClinGen allele CA7331003.
Genomic context (GRCh38, chr14:95,103,715, plus strand): 5'-AGCATTTCCATCAAGGTATTTATTACTCAGGAGAGTACATTCATCGCTGGGCTGGGGCTG[G>T]TTCTCGTAACTGTATAAATTCTGAATGGAATATGAGGTAGTTGGTTGCACGGGTATTTCC-3'
Protein context (NP_803187.1, residues 1217-1237): YSIQNLYSYE[Asn1227Lys]QPQPSDECTL